The following is an entry in ClinVar:

NM_144643.4(SCLT1):c.1720A>G (p.Ile574Val)

Gene: SCLT1 (sodium channel and clathrin linker 1; minus strand). Cytogenetic location: 4q28.2.
Variant type: single nucleotide variant.
Coding change: c.1720A>G on transcript NM_144643.4 (MANE Select); coding-DNA position 1720, A replaced by G.
Protein change: p.Ile574Val; replaces isoleucine 574 with valine.
Molecular consequence: missense variant. On other transcripts: 3 prime UTR variant (1).
Genome position (GRCh38, 1-based): chr4:128,936,764, T>C on the plus strand (A>G on the coding strand, the complement: SCLT1 is on the minus strand). VCF-style: chr4-128936764-T-C. GRCh37 (hg19) VCF-style: chr4-129857919-T-C.
Other names: c.*57A>G (NM_001410807.1); short protein forms I574V.
Identifiers: ClinVar variation 4983954 (VCV004983954.1).

ClinVar aggregate classification (germline): Uncertain significance (1 of 4 stars; one submission).

Conditions:
SCLT1-related disorder. Also called: SCLT1-related condition.

gnomAD v4.1: 12 of 1,610,608 alleles (0.00075%); highest among the groups gnomAD compares: South Asian, 0.0011%; no homozygotes.

Submission:

PreventionGenetics, part of Exact Sciences
Classification: Uncertain significance for SCLT1-related condition. Last evaluated: 2025-01-08. Review status: criteria provided, single submitter. Criteria: ACMG Guidelines, 2015. Collection method: clinical testing. Allele origin: germline.
Comment: The SCLT1 c.1720A>G variant is predicted to result in the amino acid substitution p.Ile574Val. To our knowledge, this variant has not been reported in the literature. This variant is reported in 0.00088% of alleles in individuals of European (Non-Finnish) descent in gnomAD. At this time, the clinical significance of this variant is uncertain due to the absence of conclusive functional and genetic evidence.